The following is an entry in ClinVar:

ClinVar aggregate classification (germline): Uncertain significance. Review status: criteria provided, multiple submitters, no conflicts (2 of 4 stars). 2 submissions from 2 submitters: Uncertain significance (2). Last evaluated 2025-07-10.

Conditions:
Hereditary cancer-predisposing syndrome. Also called: Tumor predisposition; Neoplastic Syndromes, Hereditary; Hereditary Cancer Syndrome; Hereditary neoplastic syndrome. Identifiers: Orphanet 140162, MedGen C0027672, MeSH D009386, MONDO:0015356.

Submissions (2):

Ambry Genetics
Classification: Uncertain significance for Hereditary cancer-predisposing syndrome. Last evaluated: 2025-07-10. Review status: criteria provided, single submitter. Criteria: Ambry Variant Classification Scheme 2023. Collection method: clinical testing. Allele origin: germline.
Comment: The p.D1071G variant (also known as c.3212A>G), located in coding exon 26 of the POLE gene, results from an A to G substitution at nucleotide position 3212. The aspartic acid at codon 1071 is replaced by glycine, an amino acid with similar properties. This amino acid position is conserved. In addition, the in silico prediction for this alteration is inconclusive. Since supporting evidence is limited at this time, the clinical significance of this alteration remains unclear.

Labcorp Genetics (formerly Invitae), Labcorp
Classification: Uncertain significance. Last evaluated: 2022-10-26. Review status: criteria provided, single submitter. Criteria: Invitae Variant Classification Sherloc (09022015). Collection method: clinical testing. Allele origin: germline.
Comment: This sequence change replaces aspartic acid, which is acidic and polar, with glycine, which is neutral and non-polar, at codon 1071 of the POLE protein (p.Asp1071Gly). In summary, the available evidence is currently insufficient to determine the role of this variant in disease. Therefore, it has been classified as a Variant of Uncertain Significance. Advanced modeling of protein sequence and biophysical properties (such as structural, functional, and spatial information, amino acid conservation, physicochemical variation, residue mobility, and thermodynamic stability) performed at Invitae indicates that this missense variant is not expected to disrupt POLE protein function. This variant has not been reported in the literature in individuals affected with POLE-related conditions. This variant is not present in population databases (gnomAD no frequency).

NM_006231.4(POLE):c.3212A>G (p.Asp1071Gly)

Gene: POLE (DNA polymerase epsilon, catalytic subunit; minus strand). Cytogenetic location: 12q24.33.
Variant type: single nucleotide variant.
Coding change: c.3212A>G on transcript NM_006231.4 (MANE Select); coding-DNA position 3212, A replaced by G.
Protein change: p.Asp1071Gly; replaces aspartic acid 1071 with glycine.
Molecular consequence: missense variant.
Genome position (GRCh38, 1-based): chr12:132,659,358, T>C on the plus strand (A>G on the coding strand, the complement: POLE is on the minus strand). VCF-style: chr12-132659358-T-C. GRCh37 (hg19) VCF-style: chr12-133235944-T-C.
Other names: short protein forms D1071G.
Identifiers: ClinVar variation 1728950 (VCV001728950.8), dbSNP rs2138675515, ClinGen allele CA387390506.